The following is an entry in ClinVar:

ClinVar aggregate classification (germline): Uncertain significance. Review status: criteria provided, multiple submitters, no conflicts (2 of 4 stars). 3 submissions from 3 submitters: Uncertain significance (3). Last evaluated 2026-07-17.

Conditions:
Bardet-Biedl syndrome (BBS). Identifiers: Orphanet 110, MedGen C0752166, MONDO:0015229.
WDPCP-related disorder. Also called: WDPCP-related condition.
Heart defect - tongue hamartoma - polysyndactyly syndrome. Also called: Congenital heart defects, hamartomas of tongue, and polysyndactyly. Identifiers: Orphanet 1338, MedGen C1857587, MONDO:0009008, OMIM 217085.
Bardet-Biedl syndrome 15 (BBS15). Identifiers: Orphanet 110, MedGen C3150127, MONDO:0014443, OMIM 615992.

Allele frequency attached by ClinVar (database versions not stated): gnomAD exomes below 0.00001 and 0.00002; ExAC 0.00001; gnomAD 0.00001; TOPMed 0.00001.
gnomAD v4.1: 29 of 1,613,434 alleles (0.0018%); highest among the groups gnomAD compares: East Asian, 0.011%; no homozygotes.

Submissions (3):

PreventionGenetics, part of Exact Sciences
Classification: Uncertain significance for WDPCP-related condition. Last evaluated: 2026-07-17. Review status: criteria provided, single submitter. Criteria: ACMG Guidelines, 2015. Collection method: clinical testing. Allele origin: germline.
Comment: The WDPCP c.1259G>A variant is predicted to result in the amino acid substitution p.Arg420His. To our knowledge, this variant has not been reported in the literature. This variant is reported in 0.0051% of alleles in individuals of East Asian descent in gnomAD. At this time, the clinical significance of this variant is uncertain due to the absence of conclusive functional and genetic evidence.

Fulgent Genetics
Classification: Uncertain significance for Heart defect - tongue hamartoma - polysyndactyly syndrome; Bardet-Biedl syndrome 15. Last evaluated: 2024-03-08. Review status: criteria provided, single submitter. Criteria: ACMG Guidelines, 2015. Collection method: clinical testing. Allele origin: germline.

Labcorp Genetics (formerly Invitae), Labcorp
Classification: Uncertain significance for Bardet-Biedl syndrome. Last evaluated: 2022-09-13. Review status: criteria provided, single submitter. Criteria: Invitae Variant Classification Sherloc (09022015). Collection method: clinical testing. Allele origin: germline.
Comment: In summary, the available evidence is currently insufficient to determine the role of this variant in disease. Therefore, it has been classified as a Variant of Uncertain Significance. Advanced modeling of protein sequence and biophysical properties (such as structural, functional, and spatial information, amino acid conservation, physicochemical variation, residue mobility, and thermodynamic stability) performed at Invitae indicates that this missense variant is not expected to disrupt WDPCP protein function. ClinVar contains an entry for this variant (Variation ID: 1381796). This variant has not been reported in the literature in individuals affected with WDPCP-related conditions. This variant is present in population databases (rs749726622, gnomAD 0.005%). This sequence change replaces arginine, which is basic and polar, with histidine, which is basic and polar, at codon 420 of the WDPCP protein (p.Arg420His).

NM_015910.7(WDPCP):c.1259G>A (p.Arg420His)

Gene: WDPCP (WD repeat containing planar cell polarity effector; minus strand). Cytogenetic location: 2p15.
Variant type: single nucleotide variant.
Coding change: c.1259G>A on transcript NM_015910.7 (MANE Select); coding-DNA position 1259, G replaced by A.
Protein change: p.Arg420His; replaces arginine 420 with histidine.
Molecular consequence: missense variant. On other transcripts: non-coding transcript variant (3).
Genome position (GRCh38, 1-based): chr2:63,404,224, C>T on the plus strand (G>A on the coding strand, the complement: WDPCP is on the minus strand). VCF-style: chr2-63404224-C-T. GRCh37 (hg19) VCF-style: chr2-63631359-C-T.
Other names: c.782G>A, p.Arg261His (NM_001042692.3); c.1187G>A, p.Arg396His (NM_001354044.2); c.1259G>A, p.Arg420His (NM_001354045.2); c.1259G>A (NM_015910.5); short protein forms R396H, R420H, R261H.
Identifiers: ClinVar variation 1381796 (VCV001381796.8), dbSNP rs749726622, ClinGen allele CA1682265.